The following is an entry in ClinVar:

ClinVar aggregate classification (germline): Pathogenic/Likely pathogenic. Review status: criteria provided, multiple submitters, no conflicts (2 of 4 stars). 5 submissions from 5 submitters: Pathogenic (4); Likely pathogenic (1). Last evaluated 2025-02-04.

Conditions:
Marfan syndrome (MFS). Also called: MARFAN SYNDROME, TYPE I; FBN1-Related Marfan Syndrome; Marfan syndrome type 1; Marfan's syndrome; Marfan syndrome, classic. Identifiers: Orphanet 284963, Orphanet 558, MedGen C0024796, MONDO:0007947, OMIM 154700.
Familial thoracic aortic aneurysm and aortic dissection (TAAD). Also called: Thoracic aortic aneurysms and dissections. Identifiers: Orphanet 91387, MedGen C4707243, MONDO:0019625.

Submissions (5):

Ambry Genetics
Classification: Likely pathogenic for Familial thoracic aortic aneurysm and aortic dissection. Last evaluated: 2025-02-04. Review status: criteria provided, single submitter. Criteria: Ambry Variant Classification Scheme 2023. Collection method: clinical testing. Allele origin: germline.
Comment: The p.C1928Y variant (also known as c.5783G>A), located in coding exon 46 of the FBN1 gene, results from a G to A substitution at nucleotide position 5783. The cysteine at codon 1928 is replaced by tyrosine, an amino acid with highly dissimilar properties. The majority of FBN1 mutations identified to date have involved the substitution or generation of cysteine residues within cbEGF domains (Vollbrandt T et al. J Biol Chem. 2004;279(31):32924-32931). Internal structural analysis indicates this alteration eliminates a disulfide bond critical for the structural integrity of the cbEGF28 domain (Ambry internal data). This variant was reported in individual(s) with features consistent with Marfan syndrome (Rommel K et al. Hum Mutat, 2005 Dec;26:529-39; Haine E et al. J Bone Miner Res, 2015 Aug;30:1369-76; Ambry internal data). This variant is considered to be rare based on population cohorts in the Genome Aggregation Database (gnomAD). This amino acid position is highly conserved in available vertebrate species. In addition, this alteration is predicted to be deleterious by in silico analysis. Based on the majority of available evidence to date, this variant is likely to be pathogenic.

GeneDx
Classification: Pathogenic. Last evaluated: 2024-04-30. Review status: criteria provided, single submitter. Criteria: GeneDx Variant Classification Process June 2021. Collection method: clinical testing. Allele origin: germline. Affected: yes.
Comment: Identified in patients with Marfan syndrome in published literature, including one de novo occurrence and one individual with a similarly affected daughter who also harbors the variant (PMID: 16220557, 19293843); Not observed at significant frequency in large population cohorts (gnomAD); Affects a cysteine residue within a calcium-binding EGF-like domain of the FBN1 gene, which may affect disulfide bonding and is predicted to alter the structure and function of the protein; cysteine substitutions in the calcium-binding EGF-like domains represent the majority of pathogenic missense changes associated with FBN1-related disorders (PMID: 12938084); In silico analysis supports that this missense variant has a deleterious effect on protein structure/function; This variant is associated with the following publications: (PMID: 12938084, 19293843, 16220557)

Labcorp Genetics (formerly Invitae), Labcorp
Classification: Pathogenic for Marfan syndrome; Familial thoracic aortic aneurysm and aortic dissection. Last evaluated: 2020-07-21. Review status: criteria provided, single submitter. Criteria: Invitae Variant Classification Sherloc (09022015). Collection method: clinical testing. Allele origin: germline.
Comment: For these reasons, this variant has been classified as Pathogenic. This sequence change replaces cysteine with tyrosine at codon 1928 of the FBN1 protein (p.Cys1928Tyr). The cysteine residue is highly conserved and there is a large physicochemical difference between cysteine and tyrosine. This variant is not present in population databases (ExAC no frequency). This variant has been observed in individual(s) with Marfan syndrome (PMID: 16220557, Invitae). ClinVar contains an entry for this variant (Variation ID: 439719). Advanced modeling of protein sequence and biophysical properties (such as structural, functional, and spatial information, amino acid conservation, physicochemical variation, residue mobility, and thermodynamic stability) performed at Invitae indicates that this missense variant is expected to disrupt FBN1 protein function. This variant disrupts the p.Cys1928 amino acid residue in FBN1. Other variant(s) that disrupt this residue have been observed in individuals with FBN1-related conditions (PMID: 7611299, 25101912, 19059503), which suggests that this may be a clinically significant amino acid residue. This variant affects a cysteine residue in the EGF-like, TGFBP or hybrid motif domains of FBN1. Cysteine residues are believed to be involved in intramolecular disulfide bridges and have been shown to be important for FBN1 protein structure (PMID: 16905551, 19349279). In addition, missense substitutions affecting cysteine residues within these domains are significantly overrepresented among patients with Marfan syndrome (PMID: 16571647, 17701892).

ARUP Laboratories, Molecular Genetics and Genomics, ARUP Laboratories
Classification: Pathogenic. Last evaluated: 2017-05-05. Review status: criteria provided, single submitter. Criteria: ARUP Molecular Germline Variant Investigation Process. Collection method: clinical testing. Allele origin: germline.
Comment: The p.Cys1928Tyr variant has been identified in association with Marfan syndrome in several unrelated individuals (Rommel 2005 and Stheneur 2009). The p.Cys1928Tyr variant disrupts a cysteine residue in an EGF domain which meets the criteria for a causative variant according to the revised Ghent nosology. (Loeys 2010). It is absent from general population databases such as 1000 Genomes, NHLBI GO Exome Sequencing Project (ESP), and the Exome Aggregation Consortium (ExAC) browser. Based on these observations, the p.Cys1928Tyr variant has been classified as pathogenic.

Suma Genomics
Classification: Pathogenic for Marfan syndrome. Review status: criteria provided, single submitter. Criteria: ACMG Guidelines, 2015. Collection method: clinical testing. Allele origin: unknown. Inheritance: Autosomal dominant inheritance. Affected: yes.

Literature cited by the submitters: PubMed 16220557 (cited by Ambry Genetics and Labcorp Genetics (formerly Invitae), Labcorp); PubMed 25656438 (cited by Ambry Genetics); PubMed 7611299 (cited by Labcorp Genetics (formerly Invitae), Labcorp); PubMed 25101912 (cited by Labcorp Genetics (formerly Invitae), Labcorp); PubMed 19059503 (cited by Labcorp Genetics (formerly Invitae), Labcorp); PubMed 16905551 (cited by Labcorp Genetics (formerly Invitae), Labcorp); PubMed 19349279 (cited by Labcorp Genetics (formerly Invitae), Labcorp); PubMed 16571647 (cited by Labcorp Genetics (formerly Invitae), Labcorp); PubMed 17701892 (cited by Labcorp Genetics (formerly Invitae), Labcorp).

NM_000138.5(FBN1):c.5783G>A (p.Cys1928Tyr)

Gene: FBN1 (fibrillin 1; minus strand). Cytogenetic location: 15q21.1.
Variant type: single nucleotide variant.
Coding change: c.5783G>A on transcript NM_000138.5 (MANE Select); coding-DNA position 5783, G replaced by A.
Protein change: p.Cys1928Tyr; replaces cysteine 1928 with tyrosine.
Molecular consequence: missense variant.
Genome position (GRCh38, 1-based): chr15:48,446,711, C>T on the plus strand (G>A on the coding strand, the complement: FBN1 is on the minus strand). VCF-style: chr15-48446711-C-T. GRCh37 (hg19) VCF-style: chr15-48738908-C-T.
Other names: short protein forms C1928Y.
Identifiers: ClinVar variation 439719 (VCV000439719.19), dbSNP rs587782947, ClinGen allele CA392341016.